The following is an entry in ClinVar:

NM_005120.3(MED12):c.3231G>T (p.Leu1077=)

Gene: MED12 (mediator complex subunit 12; plus strand). Cytogenetic location: Xq13.1.
Variant type: single nucleotide variant.
Coding change: c.3231G>T on transcript NM_005120.3 (MANE Select); coding-DNA position 3231, G replaced by T.
Protein change: p.Leu1077=; no amino-acid change (leucine 1077 retained).
Molecular consequence: synonymous variant.
Genome position (GRCh38, 1-based): chrX:71,128,317, G>T. VCF-style: chrX-71128317-G-T. GRCh37 (hg19) VCF-style: chrX-70348167-G-T.
Identifiers: ClinVar variation 515306 (VCV000515306.1), dbSNP rs1556336518, ClinGen allele CA516819337.

ClinVar aggregate classification (germline): Likely benign (1 of 4 stars; one submission).

Submission:

GeneDx
Classification: Likely benign. Last evaluated: 2018-02-08. Review status: criteria provided, single submitter. Criteria: GeneDx Variant Classification (06012015). Collection method: clinical testing. Allele origin: germline. Affected: yes.
Comment: This variant is considered likely benign or benign based on one or more of the following criteria: it is a conservative change, it occurs at a poorly conserved position in the protein, it is predicted to be benign by multiple in silico algorithms, and/or has population frequency not consistent with disease.